The following is an entry in ClinVar:

ClinVar aggregate classification (germline): Conflicting classifications of pathogenicity. Review status: criteria provided, conflicting classifications (1 of 4 stars). 4 submissions from 4 submitters: Uncertain significance (1); Likely benign (2). 1 of the submissions does not count toward it. Last evaluated 2026-05-08.

Conditions:
PKD1-related disorder. Also called: PKD1-related condition.
Inborn genetic diseases. Identifiers: MedGen C0950123, MeSH D030342.

Allele frequency attached by ClinVar (database versions not stated): gnomAD 0.00005; gnomAD exomes 0.00008; TOPMed 0.00013; 1000 Genomes Project 0.00020; 1000 Genomes Project 30x 0.00031; ExAC 0.00037.
gnomAD v4.1: 113 of 1,596,248 alleles (0.0071%); highest among the groups gnomAD compares: Admixed American, 0.16%; no homozygotes.

Submissions (4):

Women's Health and Genetics/Laboratory Corporation of America, LabCorp
Classification: Uncertain significance. Last evaluated: 2026-05-08. Review status: criteria provided, single submitter. Criteria: LabCorp Variant Classification Summary - May 2015. Collection method: clinical testing. Allele origin: germline.
Comment: Variant summary: PKD1 c.2524G>A (p.Gly842Ser) results in a non-conservative amino acid change in the encoded protein sequence. Algorithms developed to predict the effect of missense changes on protein structure and function are either unavailable or do not agree on the potential impact of this missense change. The variant allele was found at a frequency of 0.00037 in 227694 control chromosomes. This frequency is not significantly higher than estimated for disease-causing variants in PKD1, allowing no conclusion about variant significance. To our knowledge, no occurrence of c.2524G>A in individuals affected with PKD1-related conditions and no experimental evidence demonstrating its impact on protein function have been reported. ClinVar contains an entry for this variant (Variation ID: 3034838). Based on the evidence outlined above, the variant was classified as uncertain significance.

Ambry Genetics
Classification: Likely benign for Inborn genetic diseases. Last evaluated: 2025-01-22. Review status: criteria provided, single submitter. Criteria: Ambry Variant Classification Scheme 2023. Collection method: clinical testing. Allele origin: germline.

Blueprint Genetics
Classification: Likely benign. Last evaluated: 2024-10-21. Review status: criteria provided, single submitter. Criteria: ACMG Guidelines, 2015. Collection method: clinical testing. Allele origin: germline.

PreventionGenetics, part of Exact Sciences
Classification: Likely benign for PKD1-related condition. Last evaluated: 2019-08-22. Review status: no assertion criteria provided. Collection method: clinical testing. Allele origin: germline. Not counted in ClinVar's aggregate classification.
Comment: This variant is classified as likely benign based on ACMG/AMP sequence variant interpretation guidelines (Richards et al. 2015 PMID: 25741868, with internal and published modifications).

NM_001009944.3(PKD1):c.2524G>A (p.Gly842Ser)

Gene: PKD1 (polycystin 1, transient receptor potential channel interacting; minus strand). Cytogenetic location: 16p13.3.
Variant type: single nucleotide variant.
Coding change: c.2524G>A on transcript NM_001009944.3 (MANE Select); coding-DNA position 2524, G replaced by A.
Protein change: p.Gly842Ser; replaces glycine 842 with serine.
Molecular consequence: missense variant.
Genome position (GRCh38, 1-based): chr16:2,114,499, C>T on the plus strand (G>A on the coding strand, the complement: PKD1 is on the minus strand). VCF-style: chr16-2114499-C-T. GRCh37 (hg19) VCF-style: chr16-2164500-C-T.
Other names: c.2524G>A, p.Gly842Ser (NM_000296.4); c.2524G>A (NM_000296.3); short protein forms G842S.
Identifiers: ClinVar variation 3034838 (VCV003034838.5), dbSNP rs542875543, ClinGen allele CA7833180.